The following is an entry in ClinVar:

ClinVar aggregate classification (germline): Uncertain significance (1 of 4 stars; one submission).

Conditions:
Charcot-Marie-Tooth disease type 4. Also called: Charcot-Marie-Tooth, Type 4; Charcot-Marie-Tooth disease, type IV. Identifiers: Orphanet 64749, MedGen C4082197, MONDO:0018995.

Allele frequency attached by ClinVar (database versions not stated): TOPMed below 0.00001; gnomAD 0.00001 and 0.00002.
gnomAD v4.1: 3 of 1,611,782 alleles (0.00019%); highest among the groups gnomAD compares: African/African-American, 0.004%; no homozygotes.

Submission:

Labcorp Genetics (formerly Invitae), Labcorp
Classification: Uncertain significance for Charcot-Marie-Tooth disease type 4. Last evaluated: 2022-06-23. Review status: criteria provided, single submitter. Criteria: Invitae Variant Classification Sherloc (09022015). Collection method: clinical testing. Allele origin: germline.
Comment: In summary, the available evidence is currently insufficient to determine the role of this variant in disease. Therefore, it has been classified as a Variant of Uncertain Significance. Advanced modeling of protein sequence and biophysical properties (such as structural, functional, and spatial information, amino acid conservation, physicochemical variation, residue mobility, and thermodynamic stability) performed at Invitae indicates that this missense variant is not expected to disrupt MTMR2 protein function. This variant has not been reported in the literature in individuals affected with MTMR2-related conditions. This variant is not present in population databases (gnomAD no frequency). This sequence change replaces histidine, which is basic and polar, with proline, which is neutral and non-polar, at codon 165 of the MTMR2 protein (p.His165Pro).

NM_016156.6(MTMR2):c.494A>C (p.His165Pro)

Gene: MTMR2 (myotubularin related protein 2; minus strand). Cytogenetic location: 11q21.
Variant type: single nucleotide variant.
Coding change: c.494A>C on transcript NM_016156.6 (MANE Select); coding-DNA position 494, A replaced by C.
Protein change: p.His165Pro; replaces histidine 165 with proline.
Molecular consequence: missense variant.
Genome position (GRCh38, 1-based): chr11:95,858,607, T>G on the plus strand (A>C on the coding strand, the complement: MTMR2 is on the minus strand). VCF-style: chr11-95858607-T-G. GRCh37 (hg19) VCF-style: chr11-95591771-T-G.
Other names: c.278A>C, p.His93Pro (NM_001243571.2, NM_201278.3, NM_201281.3); short protein forms H165P, H93P.
Identifiers: ClinVar variation 1508699 (VCV001508699.6), dbSNP rs1360315392, ClinGen allele CA382428616.